The following is an entry in ClinVar:

ClinVar aggregate classification (germline): Pathogenic (1 of 4 stars; one submission).

Conditions:
Hereditary cancer-predisposing syndrome. Also called: Hereditary Cancer Syndrome; Hereditary neoplastic syndrome; Neoplastic Syndromes, Hereditary; Tumor predisposition. Identifiers: Orphanet 140162, MedGen C0027672, MeSH D009386, MONDO:0015356.

Submission:

Ambry Genetics
Classification: Pathogenic for Hereditary cancer-predisposing syndrome. Last evaluated: 2021-09-16. Review status: criteria provided, single submitter. Criteria: Ambry Variant Classification Scheme 2023. Collection method: clinical testing. Allele origin: germline.
Comment: The c.1532delG pathogenic mutation, located in coding exon 9 of the BRCA1 gene, results from a deletion of one nucleotide at nucleotide position 1532, causing a translational frameshift with a predicted alternate stop codon (p.G511Afs*21). This variant was reported in 1/60,466 breast cancer cases and in 0/53,461 controls (Dorling et al. N Engl J Med. 2021 02;384:428-439). This alteration is expected to result in loss of function by premature protein truncation or nonsense-mediated mRNA decay. As such, this alteration is interpreted as a disease-causing mutation.

Literature cited by the submitters: PubMed 33471991.

NM_007294.4(BRCA1):c.1532del (p.Gly511fs)

Gene: BRCA1 (BRCA1 DNA repair associated; minus strand). Cytogenetic location: 17q21.31.
Variant type: Deletion.
Coding change: c.1532del on transcript NM_007294.4 (MANE Select); coding-DNA position 1532, one base deleted (G; older notation c.1532delG).
Protein change: p.Gly511fs; shifts the reading frame from glycine 511.
Molecular consequence: frameshift variant. On other transcripts: intron variant (137).
Genome position (GRCh38, 1-based): chr17:43,093,999, C deleted on the plus strand (G on the coding strand, the reverse complement: BRCA1 is on the minus strand); the first of 2 consecutive C bases (chr17:43,093,999-43,094,000); deleting either gives the same sequence. VCF-style (leftmost placement, unchanged base first): chr17-43093998-GC-G. GRCh37 (hg19) VCF-style: chr17-41246015-GC-G.
Other names: c.1319del, p.Gly440fs (NM_001407571.1, NM_001407853.1, NM_001407894.1 and 9 more transcripts); c.1532del, p.Gly511fs (NM_001407581.1, NM_001407582.1, NM_001407583.1 and 30 more transcripts); c.1529del, p.Gly510fs (NM_001407587.1, NM_001407590.1, NM_001407591.1 and 22 more transcripts); c.1523del, p.Gly508fs (NM_001407646.1, NM_001407647.1); c.1409del, p.Gly470fs (NM_001407648.1, NM_001407664.1, NM_001407665.1 and 19 more transcripts); c.1406del, p.Gly469fs (NM_001407649.1, NM_001407670.1, NM_001407671.1 and 11 more transcripts); c.1454del, p.Gly485fs (NM_001407653.1, NM_001407654.1, NM_001407655.1 and 4 more transcripts); c.1451del, p.Gly484fs (NM_001407659.1, NM_001407660.1, NM_001407661.1 and 1 more transcripts); and 41 more; short protein forms G464fs, G511fs, G399fs, G441fs, G469fs, G484fs, G343fs, G400fs.
Identifiers: ClinVar variation 1774655 (VCV001774655.2), dbSNP rs2552203316, ClinGen allele CA2499224548.